The following is an entry in ClinVar:

ClinVar aggregate classification (germline): Pathogenic/Likely pathogenic. Review status: criteria provided, multiple submitters, no conflicts (2 of 4 stars). 2 submissions from 2 submitters: Pathogenic (1); Likely pathogenic (1). Last evaluated 2024-01-18.

Conditions:
Deficiency of UDPglucose-hexose-1-phosphate uridylyltransferase. Also called: GALT deficiency; Galactosemia, classic; GALACTOSE-1-PHOSPHATE URIDYLYLTRANSFERASE DEFICIENCY; Transferase Deficiency Galactosemia; GALACTOSEMIA I. Identifiers: Orphanet 352, Orphanet 79239, MedGen C0268151, MONDO:0009258, OMIM 230400.

Allele frequency attached by ClinVar (database versions not stated): TOPMed 0.00001; ESP Exome Variant Server 0.00008.

Submissions (2):

Baylor Genetics
Classification: Likely pathogenic for Deficiency of UDPglucose-hexose-1-phosphate uridylyltransferase. Last evaluated: 2024-01-18. Review status: criteria provided, single submitter. Criteria: ACMG Guidelines, 2015. Collection method: clinical testing. Allele origin: unknown.

Labcorp Genetics (formerly Invitae), Labcorp
Classification: Pathogenic for Deficiency of UDPglucose-hexose-1-phosphate uridylyltransferase. Last evaluated: 2024-01-09. Review status: criteria provided, single submitter. Criteria: Invitae Variant Classification Sherloc (09022015). Collection method: clinical testing. Allele origin: germline.
Comment: This sequence change replaces arginine, which is basic and polar, with serine, which is neutral and polar, at codon 223 of the GALT protein (p.Arg223Ser). This variant is not present in population databases (gnomAD no frequency). This missense change has been observed in individual(s) with galactose-1-phosphate uridylyltransferase deficiency (PMID: 17876724). ClinVar contains an entry for this variant (Variation ID: 1482501). Advanced modeling of protein sequence and biophysical properties (such as structural, functional, and spatial information, amino acid conservation, physicochemical variation, residue mobility, and thermodynamic stability) performed at Invitae indicates that this missense variant is expected to disrupt GALT protein function with a positive predictive value of 95%. Experimental studies have shown that this missense change affects GALT function (PMID: 22461411). This variant disrupts the p.Arg223 amino acid residue in GALT. Other variant(s) that disrupt this residue have been determined to be pathogenic (Invitae). This suggests that this residue is clinically significant, and that variants that disrupt this residue are likely to be disease-causing. For these reasons, this variant has been classified as Pathogenic.

Literature cited by the submitters: PubMed 17876724 (cited by Labcorp Genetics (formerly Invitae), Labcorp); PubMed 22461411 (cited by Labcorp Genetics (formerly Invitae), Labcorp).

NM_000155.4(GALT):c.667C>A (p.Arg223Ser)

Gene: GALT (galactose-1-phosphate uridylyltransferase; plus strand). Cytogenetic location: 9p13.3.
Variant type: single nucleotide variant.
Coding change: c.667C>A on transcript NM_000155.4 (MANE Select); coding-DNA position 667, C replaced by A.
Protein change: p.Arg223Ser; replaces arginine 223 with serine.
Molecular consequence: missense variant.
Genome position (GRCh38, 1-based): chr9:34,648,436, C>A. VCF-style: chr9-34648436-C-A. GRCh37 (hg19) VCF-style: chr9-34648433-C-A.
Other names: c.340C>A, p.Arg114Ser (NM_001258332.2); short protein forms R114S.
Identifiers: ClinVar variation 1482501 (VCV001482501.8), dbSNP rs111033750, ClinGen allele CA259470.